The following is an entry in ClinVar:

NM_001844.5(COL2A1):c.3635G>T (p.Gly1212Val)

Gene: COL2A1 (collagen type II alpha 1 chain; minus strand). Cytogenetic location: 12q13.11.
Variant type: single nucleotide variant.
Coding change: c.3635G>T on transcript NM_001844.5 (MANE Select); coding-DNA position 3635, G replaced by T.
Protein change: p.Gly1212Val; replaces glycine 1212 with valine.
Molecular consequence: missense variant.
Genome position (GRCh38, 1-based): chr12:47,975,568, C>A on the plus strand (G>T on the coding strand, the complement: COL2A1 is on the minus strand). VCF-style: chr12-47975568-C-A. GRCh37 (hg19) VCF-style: chr12-48369351-C-A.
Other names: c.3428G>T, p.Gly1143Val (NM_033150.3); short protein forms G1212V, G1143V.
Identifiers: ClinVar variation 4795258 (VCV004795258.1).

ClinVar aggregate classification (germline): Likely pathogenic (1 of 4 stars; one submission).

Submission:

GeneDx
Classification: Likely pathogenic. Last evaluated: 2025-08-14. Review status: criteria provided, single submitter. Criteria: GeneDx Variant Classification Process June 2021. Collection method: clinical testing. Allele origin: germline. Affected: yes.
Comment: Occurs in the triple helical domain and replaces a glycine in a canonical Gly-X-Y repeat; missense substitution of a canonical glycine residue is expected to disrupt normal protein folding and function, and this is an established mechanism of disease (PMID: 34007986); Not observed at significant frequency in large population cohorts (gnomAD); In silico analysis supports that this missense variant has a deleterious effect on protein structure/function; Has not been previously published as pathogenic or benign to our knowledge; This variant is associated with the following publications: (PMID: 34007986)